The following is an entry in ClinVar:

NM_003922.4(HERC1):c.12161G>C (p.Gly4054Ala)

Gene: HERC1 (HECT and RLD domain containing E3 ubiquitin protein ligase family member 1; minus strand). Cytogenetic location: 15q22.31.
Variant type: single nucleotide variant.
Coding change: c.12161G>C on transcript NM_003922.4 (MANE Select); coding-DNA position 12161, G replaced by C.
Protein change: p.Gly4054Ala; replaces glycine 4054 with alanine.
Molecular consequence: missense variant.
Genome position (GRCh38, 1-based): chr15:63,637,576, C>G on the plus strand (G>C on the coding strand, the complement: HERC1 is on the minus strand). VCF-style: chr15-63637576-C-G. GRCh37 (hg19) VCF-style: chr15-63929775-C-G.
Other names: short protein forms G4054A.
Identifiers: ClinVar variation 2107077 (VCV002107077.4), dbSNP rs1213038145, ClinGen allele CA392741923.

ClinVar aggregate classification (germline): Uncertain significance (1 of 4 stars; one submission).

Submission:

Labcorp Genetics (formerly Invitae), Labcorp
Classification: Uncertain significance. Last evaluated: 2022-08-16. Review status: criteria provided, single submitter. Criteria: Invitae Variant Classification Sherloc (09022015). Collection method: clinical testing. Allele origin: germline.
Comment: In summary, the available evidence is currently insufficient to determine the role of this variant in disease. Therefore, it has been classified as a Variant of Uncertain Significance. Algorithms developed to predict the effect of missense changes on protein structure and function (SIFT, PolyPhen-2, Align-GVGD) all suggest that this variant is likely to be disruptive. This variant has not been reported in the literature in individuals affected with HERC1-related conditions. This variant is not present in population databases (gnomAD no frequency). This sequence change replaces glycine, which is neutral and non-polar, with alanine, which is neutral and non-polar, at codon 4054 of the HERC1 protein (p.Gly4054Ala).